The following is an entry in ClinVar:

NM_000186.4(CFH):c.2120C>T (p.Pro707Leu)

Gene: CFH (complement factor H; plus strand). Cytogenetic location: 1q31.3.
Variant type: single nucleotide variant.
Coding change: c.2120C>T on transcript NM_000186.4 (MANE Select); coding-DNA position 2120, C replaced by T.
Protein change: p.Pro707Leu; replaces proline 707 with leucine.
Molecular consequence: missense variant.
Genome position (GRCh38, 1-based): chr1:196,726,824, C>T. VCF-style: chr1-196726824-C-T. GRCh37 (hg19) VCF-style: chr1-196695954-C-T.
Other names: short protein forms P707L.
Identifiers: ClinVar variation 4291448 (VCV004291448.2).

ClinVar aggregate classification (germline): Uncertain significance. Review status: criteria provided, multiple submitters, no conflicts (2 of 4 stars). 2 submissions from 2 submitters: Uncertain significance (2). Last evaluated 2025-10-02.

Conditions:
Atypical hemolytic-uremic syndrome. Identifiers: Orphanet 2134, MedGen C2931788, MONDO:0016244.

Submissions (2):

Genomenon, Inc
Classification: Uncertain significance for Atypical hemolytic-uremic syndrome. Last evaluated: 2025-10-02. Review status: criteria provided, single submitter. Criteria: Genomenon Sequence Variant Interpretation Standards - Updated. Collection method: curation. Allele origin: germline. Affected: yes.
Comment: CFH p.Pro707Leu (c.2120C>T) is a missense variant that changes the amino acid at residue 707 from Proline to Leucine. This variant has been observed in at least one proband affected with atypical hemolytic-uremic syndrome (PMID:25616634). Functional studies have been reported (PMID:34189567). It is absent or not present at a significant frequency in gnomAD. In silico models agree that this variant is not damaging. In conclusion, we classify CFH p.Pro707Leu (c.2120C>T) as a variant of uncertain significance.

Blueprint Genetics
Classification: Uncertain significance. Last evaluated: 2023-06-07. Review status: criteria provided, single submitter. Criteria: ACMG Guidelines, 2015. Collection method: clinical testing. Allele origin: germline.

Literature cited by the submitters: PubMed 25616634 (cited by Genomenon, Inc); PubMed 34189567 (cited by Genomenon, Inc).